The following is an entry in ClinVar:

ClinVar aggregate classification (germline): Likely pathogenic (1 of 4 stars; one submission).

Conditions:
Hypogonadotropic hypogonadism 2 with or without anosmia (HH2). Also called: HYPOGONADOTROPIC HYPOGONADISM 2 WITHOUT ANOSMIA; HYPOGONADOTROPIC HYPOGONADISM 2 WITH OR WITHOUT ANOSMIA, SUSCEPTIBILITY TO; HYPOGONADOTROPIC HYPOGONADISM 2 WITHOUT ANOSMIA, SUSCEPTIBILITY TO; FGFR1-Related GnRH Deficiency (Kallmann Syndrome 2). Identifiers: Orphanet 478, MedGen C1563720, MONDO:0007844, OMIM 147950. Disease mechanism: loss of function.

Submission:

Molecular Genetics Department, Kulakov National Medical Research Center for Obstetrics, Gynecology and Perinatology
Classification: Likely pathogenic for Hypogonadotropic hypogonadism 2 with or without anosmia. Review status: criteria provided, single submitter. Criteria: ACMG Guidelines, 2015. Collection method: clinical testing. Allele origin: germline. Affected: yes. Observed: 1 variant allele.
Comment: A previously undescribed heterozygous nucleotide variant creates a frameshift p.Ser281GlnfsTer2 in the FGFR1 gene. Heterozygous variants, including loss-of-function variants, are reported in patients with hypogonadotropic hypogonadism 2 with or without anosmia, 147950. The variant is not present in population database (gnomAD no frequency). In summary, the currently available evidence indicates that the variant is pathogenic, but additional data are needed to prove that conclusively. Therefore, this variant has been classified as likely pathogenic.

NM_023110.3(FGFR1):c.839_840insT (p.Ser281fs)

Gene: FGFR1 (fibroblast growth factor receptor 1; minus strand). Cytogenetic location: 8p11.23.
Variant type: Insertion.
Coding change: c.839_840insT on transcript NM_023110.3 (MANE Select); coding-DNA positions 839 to 840, T inserted.
Protein change: p.Ser281fs; shifts the reading frame from serine 281.
Molecular consequence: frameshift variant.
Genome position: GRCh38 VCF-style: chr8-38424605-G-GA. GRCh37 (hg19) VCF-style: chr8-38282123-G-GA.
Other names: c.839_840insT, p.Ser281fs (NM_001174063.2); c.815_816insT, p.Ser273fs (NM_001174064.2); c.833_834insT, p.Ser279fs (NM_001174065.2, NM_001354367.2, NM_001354369.2 and 2 more transcripts); c.572_573insT, p.Ser192fs (NM_001174066.2, NM_023105.3); c.932_933insT, p.Ser312fs (NM_001174067.2); c.566_567insT, p.Ser190fs (NM_001354368.2, NM_001354370.2, NM_023106.3); short protein forms S190fs, S279fs, S312fs, S281fs, S192fs, S273fs.
Identifiers: ClinVar variation 4294476 (VCV004294476.1).
Genomic context (GRCh38, chr8:38,424,605, plus strand): 5'-AATCTTGCTCCCATTCACCTCGATGTGCTTTAGCCACTGGATGTGCGGCTGCGGGTCACT[G>GA]TACACCTTACACATGAACTCCACGTTGCTACCCAGGGCCACTGTTTTGTTGGCGGGCAAC-3'